The following is an entry in ClinVar:

NM_000081.4(LYST):c.8222G>A (p.Arg2741Gln)

Gene: LYST (lysosomal trafficking regulator; minus strand). Cytogenetic location: 1q42.3.
Variant type: single nucleotide variant.
Coding change: c.8222G>A on transcript NM_000081.4 (MANE Select); coding-DNA position 8222, G replaced by A.
Protein change: p.Arg2741Gln; replaces arginine 2741 with glutamine.
Molecular consequence: missense variant.
Genome position (GRCh38, 1-based): chr1:235,741,558, C>T on the plus strand (G>A on the coding strand, the complement: LYST is on the minus strand). VCF-style: chr1-235741558-C-T. GRCh37 (hg19) VCF-style: chr1-235904858-C-T.
Other names: c.8222G>A, p.Arg2741Gln (NM_001301365.1); short protein forms R2741Q.
Identifiers: ClinVar variation 296375 (VCV000296375.8), dbSNP rs148018560, ClinGen allele CA1465923.

ClinVar aggregate classification (germline): Uncertain significance. Review status: criteria provided, multiple submitters, no conflicts (2 of 4 stars). 3 submissions from 3 submitters: Uncertain significance (3). Last evaluated 2026-08-18.

Conditions:
LYST-related disorder. Also called: LYST-related condition.
Chédiak-Higashi syndrome (CHS). Also called: Chediak-Higashi Syndrome. Identifiers: Orphanet 167, MedGen C0007965, MONDO:0008963, OMIM 214500.

Allele frequency attached by ClinVar (database versions not stated): gnomAD 0.00002; TOPMed 0.00003; ESP Exome Variant Server 0.00008.
gnomAD v4.1: 45 of 1,613,974 alleles (0.0028%); highest among the groups gnomAD compares: East Asian, 0.0089%; no homozygotes.

Submissions (3):

PreventionGenetics, part of Exact Sciences
Classification: Uncertain significance for LYST-related condition. Last evaluated: 2026-08-18. Review status: criteria provided, single submitter. Criteria: ACMG Guidelines, 2015. Collection method: clinical testing. Allele origin: germline.
Comment: The LYST c.8222G>A variant is predicted to result in the amino acid substitution p.Arg2741Gln. To our knowledge, this variant has not been reported in the literature. This variant is reported in 0.0062% of alleles in individuals of African descent in gnomAD. At this time, the clinical significance of this variant is uncertain due to the absence of conclusive functional and genetic evidence.

Labcorp Genetics (formerly Invitae), Labcorp
Classification: Uncertain significance for Chédiak-Higashi syndrome. Last evaluated: 2022-06-08. Review status: criteria provided, single submitter. Criteria: Invitae Variant Classification Sherloc (09022015). Collection method: clinical testing. Allele origin: germline.
Comment: This sequence change replaces arginine, which is basic and polar, with glutamine, which is neutral and polar, at codon 2741 of the LYST protein (p.Arg2741Gln). This variant is present in population databases (rs148018560, gnomAD 0.007%). This variant has not been reported in the literature in individuals affected with LYST-related conditions. ClinVar contains an entry for this variant (Variation ID: 296375). Algorithms developed to predict the effect of missense changes on protein structure and function are either unavailable or do not agree on the potential impact of this missense change (SIFT: "Tolerated"; PolyPhen-2: "Probably Damaging"; Align-GVGD: "Class C0"). In summary, the available evidence is currently insufficient to determine the role of this variant in disease. Therefore, it has been classified as a Variant of Uncertain Significance.

Illumina Laboratory Services, Illumina
Classification: Uncertain significance for Chédiak-Higashi syndrome. Last evaluated: 2018-01-13. Review status: criteria provided, single submitter. Criteria: ICSL Variant Classification Criteria 13 December 2019. Collection method: clinical testing. Allele origin: germline.